The following is an entry in ClinVar:

ClinVar aggregate classification (germline): Uncertain significance (1 of 4 stars; one submission).

Submission:

GeneDx
Classification: Uncertain significance. Last evaluated: 2024-12-13. Review status: criteria provided, single submitter. Criteria: GeneDx Variant Classification Process June 2021. Collection method: clinical testing. Allele origin: germline. Affected: yes.
Comment: Not observed at significant frequency in large population cohorts (gnomAD); In silico analysis supports that this missense variant has a deleterious effect on protein structure/function; Has not been previously published as pathogenic or benign to our knowledge

NM_001042492.3(NF1):c.5596G>T (p.Asp1866Tyr)

Gene: NF1 (neurofibromin 1; plus strand). Cytogenetic location: 17q11.2.
Variant type: single nucleotide variant.
Coding change: c.5596G>T on transcript NM_001042492.3 (MANE Select); coding-DNA position 5596, G replaced by T.
Protein change: p.Asp1866Tyr; replaces aspartic acid 1866 with tyrosine.
Molecular consequence: missense variant.
Genome position (GRCh38, 1-based): chr17:31,327,826, G>T. VCF-style: chr17-31327826-G-T. GRCh37 (hg19) VCF-style: chr17-29654844-G-T.
Other names: c.5533G>T, p.Asp1845Tyr (NM_000267.4); short protein forms D1845Y, D1866Y.
Identifiers: ClinVar variation 3903122 (VCV003903122.1).